The following is an entry in ClinVar:

ClinVar aggregate classification (germline): Uncertain significance (1 of 4 stars; one submission).

Conditions:
Charcot-Marie-Tooth disease type 4. Also called: Charcot-Marie-Tooth disease, type IV; Charcot-Marie-Tooth, Type 4. Identifiers: Orphanet 64749, MedGen C4082197, MONDO:0018995.

Allele frequency attached by ClinVar (database versions not stated): gnomAD exomes below 0.00001 and 0.00001; TOPMed 0.00001; gnomAD 0.00002.
gnomAD v4.1: 13 of 1,462,784 alleles (0.00089%); highest among the groups gnomAD compares: Non-Finnish European, 0.0012%; no homozygotes.

Submission:

Labcorp Genetics (formerly Invitae), Labcorp
Classification: Uncertain significance for Charcot-Marie-Tooth disease type 4. Last evaluated: 2022-07-24. Review status: criteria provided, single submitter. Criteria: Invitae Variant Classification Sherloc (09022015). Collection method: clinical testing. Allele origin: germline.
Comment: This sequence change replaces valine, which is neutral and non-polar, with methionine, which is neutral and non-polar, at codon 157 of the FIG4 protein (p.Val157Met). The frequency data for this variant in the population databases is considered unreliable, as metrics indicate poor data quality at this position in the gnomAD database. This variant has not been reported in the literature in individuals affected with FIG4-related conditions. ClinVar contains an entry for this variant (Variation ID: 859092). Algorithms developed to predict the effect of missense changes on protein structure and function are either unavailable or do not agree on the potential impact of this missense change (SIFT: "Deleterious"; PolyPhen-2: "Probably Damaging"; Align-GVGD: "Class C0"). In summary, the available evidence is currently insufficient to determine the role of this variant in disease. Therefore, it has been classified as a Variant of Uncertain Significance.

NM_014845.6(FIG4):c.469G>A (p.Val157Met)

Gene: FIG4 (FIG4 phosphoinositide 5-phosphatase; plus strand). Cytogenetic location: 6q21.
Variant type: single nucleotide variant.
Coding change: c.469G>A on transcript NM_014845.6 (MANE Select); coding-DNA position 469, G replaced by A.
Protein change: p.Val157Met; replaces valine 157 with methionine.
Molecular consequence: missense variant.
Genome position (GRCh38, 1-based): chr6:109,732,659, G>A. VCF-style: chr6-109732659-G-A. GRCh37 (hg19) VCF-style: chr6-110053862-G-A.
Other names: short protein forms V157M.
Identifiers: ClinVar variation 859092 (VCV000859092.7), dbSNP rs1455052760, ClinGen allele CA365218390.